The following is an entry in ClinVar:

ClinVar aggregate classification (germline): Uncertain significance (1 of 4 stars; one submission).

gnomAD v4.1: 13 of 1,613,340 alleles (0.00081%); highest among the groups gnomAD compares: Non-Finnish European, 0.0011%; no homozygotes.

Submission:

Labcorp Genetics (formerly Invitae), Labcorp
Classification: Uncertain significance. Last evaluated: 2025-04-24. Review status: criteria provided, single submitter. Criteria: Invitae Variant Classification Sherloc (09022015). Collection method: clinical testing. Allele origin: germline.
Comment: This sequence change replaces glycine, which is neutral and non-polar, with valine, which is neutral and non-polar, at codon 2016 of the HMCN1 protein (p.Gly2016Val). This variant is not present in population databases (gnomAD no frequency). This variant has not been reported in the literature in individuals affected with HMCN1-related conditions. An algorithm developed to predict the effect of missense changes on protein structure and function (PolyPhen-2) suggests that this variant is likely to be disruptive. In summary, the available evidence is currently insufficient to determine the role of this variant in disease. Therefore, it has been classified as a Variant of Uncertain Significance.

NM_031935.3(HMCN1):c.6047G>T (p.Gly2016Val)

Gene: HMCN1 (hemicentin 1; plus strand). Cytogenetic location: 1q31.1.
Variant type: single nucleotide variant.
Coding change: c.6047G>T on transcript NM_031935.3 (MANE Select); coding-DNA position 6047, G replaced by T.
Protein change: p.Gly2016Val; replaces glycine 2016 with valine.
Molecular consequence: missense variant.
Genome position (GRCh38, 1-based): chr1:186,039,746, G>T. VCF-style: chr1-186039746-G-T. GRCh37 (hg19) VCF-style: chr1-186008878-G-T.
Other names: short protein forms G2016V.
Identifiers: ClinVar variation 4802492 (VCV004802492.1).